The following is an entry in ClinVar:

NM_032578.4(MYPN):c.1433C>T (p.Ser478Phe)

Gene: MYPN (myopalladin; plus strand). Cytogenetic location: 10q21.3.
Variant type: single nucleotide variant.
Coding change: c.1433C>T on transcript NM_032578.4 (MANE Select); coding-DNA position 1433, C replaced by T.
Protein change: p.Ser478Phe; replaces serine 478 with phenylalanine.
Molecular consequence: missense variant. On other transcripts: non-coding transcript variant (2).
Genome position (GRCh38, 1-based): chr10:68,158,601, C>T. VCF-style: chr10-68158601-C-T. GRCh37 (hg19) VCF-style: chr10-69918358-C-T.
Other names: c.1433C>T, p.Ser478Phe (NM_001256267.2); c.551C>T, p.Ser184Phe (NM_001256268.2); short protein forms S184F, S478F.
Identifiers: ClinVar variation 862683 (VCV000862683.10), dbSNP rs2042921597, ClinGen allele CA376834932.

ClinVar aggregate classification (germline): Uncertain significance. Review status: criteria provided, multiple submitters, no conflicts (2 of 4 stars). 2 submissions from 2 submitters: Uncertain significance (2). Last evaluated 2023-01-10.

Conditions:
Dilated cardiomyopathy 1KK (CMD1KK). Identifiers: Orphanet 154, Orphanet 75249, MedGen C3714995, MONDO:0014100, OMIM 615248.

Allele frequency attached by ClinVar (database versions not stated): gnomAD exomes below 0.00001.

Submissions (2):

Blueprint Genetics
Classification: Uncertain significance. Last evaluated: 2023-01-10. Review status: criteria provided, single submitter. Criteria: ACMG Guidelines, 2015. Collection method: clinical testing. Allele origin: germline.

Labcorp Genetics (formerly Invitae), Labcorp
Classification: Uncertain significance for Dilated cardiomyopathy 1KK. Last evaluated: 2019-05-13. Review status: criteria provided, single submitter. Criteria: Invitae Variant Classification Sherloc (09022015). Collection method: clinical testing. Allele origin: germline.
Comment: Algorithms developed to predict the effect of missense changes on protein structure and function (SIFT, PolyPhen-2, Align-GVGD) all suggest that this variant is likely to be disruptive, but these predictions have not been confirmed by published functional studies and their clinical significance is uncertain. In summary, the available evidence is currently insufficient to determine the role of this variant in disease. Therefore, it has been classified as a Variant of Uncertain Significance. This variant has not been reported in the literature in individuals with MYPN-related conditions. This sequence change replaces serine with phenylalanine at codon 478 of the MYPN protein (p.Ser478Phe). The serine residue is highly conserved and there is a large physicochemical difference between serine and phenylalanine. This variant is not present in population databases (ExAC no frequency).